The following is an entry in ClinVar:

ClinVar aggregate classification (germline): Uncertain significance (1 of 4 stars; one submission).

Conditions:
Joubert syndrome 8 (JBTS8). Identifiers: Orphanet 475, MedGen C2676771, MONDO:0012855, OMIM 612291.

Submission:

Labcorp Genetics (formerly Invitae), Labcorp
Classification: Uncertain significance for Joubert syndrome 8. Last evaluated: 2021-10-28. Review status: criteria provided, single submitter. Criteria: Invitae Variant Classification Sherloc (09022015). Collection method: clinical testing. Allele origin: germline.
Comment: In summary, the available evidence is currently insufficient to determine the role of this variant in disease. Therefore, it has been classified as a Variant of Uncertain Significance. Algorithms developed to predict the effect of missense changes on protein structure and function are either unavailable or do not agree on the potential impact of this missense change (SIFT: "Tolerated"; PolyPhen-2: "Probably Damaging"; Align-GVGD: "Class C0"). This variant has not been reported in the literature in individuals affected with ARL13B-related conditions. This variant is not present in population databases (gnomAD no frequency). This sequence change replaces glycine, which is neutral and non-polar, with arginine, which is basic and polar, at codon 136 of the ARL13B protein (p.Gly136Arg).

NM_001174150.2(ARL13B):c.406G>A (p.Gly136Arg)

Gene: ARL13B (ARF like GTPase 13B; plus strand). Cytogenetic location: 3q11.2.
Variant type: single nucleotide variant.
Coding change: c.406G>A on transcript NM_001174150.2 (MANE Select); coding-DNA position 406, G replaced by A.
Protein change: p.Gly136Arg; replaces glycine 136 with arginine.
Molecular consequence: missense variant. On other transcripts: non-coding transcript variant (2).
Genome position (GRCh38, 1-based): chr3:94,035,356, G>A. VCF-style: chr3-94035356-G-A. GRCh37 (hg19) VCF-style: chr3-93754200-G-A.
Other names: c.97G>A, p.Gly33Arg (NM_001174151.2); c.361G>A, p.Gly121Arg (NM_001321328.2); c.85G>A, p.Gly29Arg (NM_144996.4); c.406G>A, p.Gly136Arg (NM_182896.3); short protein forms G121R, G136R, G29R, G33R.
Identifiers: ClinVar variation 1500179 (VCV001500179.6), dbSNP rs2107111382, ClinGen allele CA353677909.